The following is an entry in ClinVar:

ClinVar aggregate classification (germline): Uncertain significance (1 of 4 stars; one submission).

Conditions:
Seizures, benign familial neonatal, 1. Also called: Seizures, benign neonatal, 1; Benign Neonatal Epilepsy 1; KCNQ2-Related Benign Familial Neonatal Epilepsy; KCNQ2-Related Self-Limited Familial Neonatal Epilepsy (SLFNE). Identifiers: Orphanet 1949, MedGen C3149074, MONDO:0007365, OMIM 121200.
Developmental and epileptic encephalopathy, 7 (DEE7). Also called: Early infantile epileptic encephalopathy 7; KCNQ2-Related Neonatal Epileptic Encephalopathy; KCNQ2-Related Neonatal-Onset Developmental and Epileptic Encephalopathy (NEO-DEE). Identifiers: Orphanet 439218, MedGen C3150986, MONDO:0013387, OMIM 613720.

Submission:

Juno Genomics, Hangzhou Juno Genomics, Inc
Classification: Uncertain significance for Seizures, benign familial neonatal, 1; Developmental and epileptic encephalopathy, 7. Review status: criteria provided, single submitter. Criteria: ACMG Guidelines, 2015. Collection method: clinical testing. Allele origin: germline. Affected: yes.
Comment: Absent from controls (or at extremely low frequency if recessive) in Genome Aggregation Database.;Multiple lines of computational evidence support a deleterious effect on the gene or gene product.;Missense variant in a gene that has a low rate of benign missense variation.

NM_172107.4(KCNQ2):c.1699G>C (p.Val567Leu)

Gene: KCNQ2 (potassium voltage-gated channel subfamily Q member 2; minus strand). Cytogenetic location: 20q13.33.
Variant type: single nucleotide variant.
Coding change: c.1699G>C on transcript NM_172107.4 (MANE Select); coding-DNA position 1699, G replaced by C.
Protein change: p.Val567Leu; replaces valine 567 with leucine.
Molecular consequence: missense variant.
Genome position (GRCh38, 1-based): chr20:63,413,514, C>G on the plus strand (G>C on the coding strand, the complement: KCNQ2 is on the minus strand). VCF-style: chr20-63413514-C-G. GRCh37 (hg19) VCF-style: chr20-62044867-C-G.
Other names: c.1645G>C, p.Val549Leu (NM_001382235.1, NM_172106.3); c.1642G>C, p.Val548Leu (NM_001439003.1); c.1612G>C, p.Val538Leu (NM_001439004.1); c.1615G>C, p.Val539Leu (NM_004518.6); c.1606G>C, p.Val536Leu (NM_172108.5); short protein forms V536L, V538L, V539L, V548L, V549L, V567L.
Identifiers: ClinVar variation 5020007 (VCV005020007.1).